The following is an entry in ClinVar:

ClinVar aggregate classification (germline): Benign. Review status: criteria provided, multiple submitters, no conflicts (2 of 4 stars). 3 submissions from 3 submitters: Benign (3). Last evaluated 2021-07-01.

Conditions:
Familial dysautonomia. Also called: HSAN III; FD. Identifiers: Orphanet 1764, MedGen C0013364, MONDO:0009131, OMIM 223900. Disease mechanism: loss of function.

Allele frequency attached by ClinVar (database versions not stated): TOPMed 0.56505; gnomAD 0.56907 and 0.57186; gnomAD exomes 0.57993; 1000 Genomes Project 30x 0.58510; 1000 Genomes Project 0.59006.
gnomAD v4.1: 739,567 of 1,275,854 alleles (58%); highest among the groups gnomAD compares: South Asian, 68%; 217,007 homozygotes.

Submissions (3):

Genome-Nilou Lab
Classification: Benign for Familial dysautonomia. Last evaluated: 2021-07-01. Review status: criteria provided, single submitter. Criteria: ACMG Guidelines, 2015. Collection method: clinical testing. Allele origin: germline. Affected: no.

GeneDx
Classification: Benign. Last evaluated: 2018-06-19. Review status: criteria provided, single submitter. Criteria: GeneDx Variant Classification (06012015). Collection method: clinical testing. Allele origin: germline. Affected: yes.
Comment: This variant is considered likely benign or benign based on one or more of the following criteria: it is a conservative change, it occurs at a poorly conserved position in the protein, it is predicted to be benign by multiple in silico algorithms, and/or has population frequency not consistent with disease.

Breakthrough Genomics
Classification: Benign. Review status: criteria provided, single submitter. Criteria: ACMG Guidelines, 2015. Collection method: not provided. Allele origin: germline. Inheritance: Autosomal recessive inheritance. Affected: yes.

NM_003640.5(ELP1):c.958+56A>T

Gene: ELP1 (elongator acetyltransferase complex subunit 1; minus strand). Cytogenetic location: 9q31.3.
Variant type: single nucleotide variant.
Coding change: c.958+56A>T on transcript NM_003640.5 (MANE Select); 56 bases into the intron after coding-DNA position 958, A replaced by T.
Molecular consequence: intron variant.
Genome position (GRCh38, 1-based): chr9:108,916,148, T>A on the plus strand (A>T on the coding strand, the complement: ELP1 is on the minus strand). VCF-style: chr9-108916148-T-A. GRCh37 (hg19) VCF-style: chr9-111678428-T-A.
Other names: c.616+56A>T (NM_001318360.2); c.-90+56A>T (NM_001330749.2).
Identifiers: ClinVar variation 681856 (VCV000681856.5), dbSNP rs1772046, ClinGen allele CA12996811.
Genomic context (GRCh38, chr9:108,916,148, plus strand): 5'-TCAGCATCTTTGATTCTACTAAGGGACTAAGTAGAAGGGATGAAGGAAATCCCATACCTG[T>A]CTACTTTCAACTACGTTTTATGGGGCAGAAGGCTGGGGTACTACAGCTGTCTTACCACAG-3'